The following is an entry in ClinVar:

NM_013352.4(DSE):c.-53-11A>G

Gene: DSE (dermatan sulfate epimerase; plus strand). Cytogenetic location: 6q22.1.
Variant type: single nucleotide variant.
Coding change: c.-53-11A>G on transcript NM_013352.4 (MANE Select); 11 bases into the intron before 53 bases upstream of the start codon, A replaced by G.
Molecular consequence: intron variant.
Genome position (GRCh38, 1-based): chr6:116,399,187, A>G. VCF-style: chr6-116399187-A-G. GRCh37 (hg19) VCF-style: chr6-116720350-A-G.
Other names: c.-953-11A>G (NM_001374520.1); c.-53-11A>G (NM_001322937.2, NM_001322938.2, NM_001374522.1 and 3 more transcripts); c.-640-11A>G (NM_001374521.1); c.-610-11A>G (NM_001322940.2, NM_001322941.2); c.5-11A>G (NM_001322939.2).
Identifiers: ClinVar variation 4526061 (VCV004526061.2).

ClinVar aggregate classification (germline): Uncertain significance (1 of 4 stars; one submission).

gnomAD v4.1: 70 of 1,596,904 alleles (0.0044%); highest among the groups gnomAD compares: Non-Finnish European, 0.0058%; no homozygotes.

Submission:

Women's Health and Genetics/Laboratory Corporation of America, LabCorp
Classification: Uncertain significance. Last evaluated: 2026-05-13. Review status: criteria provided, single submitter. Criteria: LabCorp Variant Classification Summary - May 2015. Collection method: clinical testing. Allele origin: germline.
Comment: Variant summary: DSE c.-53-11A>G is located in the untranslated mRNA region upstream of the initiation codon. Consensus agreement among computation tools predict no significant impact on normal splicing. However, these predictions have yet to be confirmed by functional studies. The variant allele was found at a frequency of 3.3e-05 in 238822 control chromosomes. The available data on variant occurrences in the general population are insufficient to allow any conclusion about variant significance. To our knowledge, no occurrence of c.-53-11A>G in individuals affected with DSE-related conditions and no experimental evidence demonstrating its impact on protein function have been reported. ClinVar contains an entry for this variant (Variation ID: 4526061). Based on the evidence outlined above, the variant was classified as uncertain significance.